The following is an entry in ClinVar:

NM_144658.4(DOCK11):c.4096C>T (p.Arg1366Trp)

Gene: DOCK11 (dedicator of cytokinesis 11; plus strand). Cytogenetic location: Xq24.
Variant type: single nucleotide variant.
Coding change: c.4096C>T on transcript NM_144658.4 (MANE Select); coding-DNA position 4096, C replaced by T.
Protein change: p.Arg1366Trp; replaces arginine 1366 with tryptophan.
Molecular consequence: missense variant.
Genome position (GRCh38, 1-based): chrX:118,639,529, C>T. VCF-style: chrX-118639529-C-T. GRCh37 (hg19) VCF-style: chrX-117773492-C-T.
Other names: short protein forms R1366W.
Identifiers: ClinVar variation 4088097 (VCV004088097.1).
Genomic context (GRCh38, chrX:118,639,529, plus strand): 5'-ATAGACCGAAAATCGCAAACCATGCCTGCTCTTCGAAACAGATCAGGAGTAATGCAGGCC[C>T]GGCTTCAGCATCTTAGTAGCCTAGAAAGTTCATTTACACTTAATCACAGTAAGTGAAAAT-3'
Protein context (NP_653259.3, residues 1356-1376): LRNRSGVMQA[Arg1366Trp]LQHLSSLESS

ClinVar aggregate classification (germline): Uncertain significance (1 of 4 stars; one submission).

gnomAD v4.1: 17 of 1,210,488 alleles (0.0014%); highest among the groups gnomAD compares: Admixed American, 0.0022%; no homozygotes.

Submission:

GeneDx
Classification: Uncertain significance. Last evaluated: 2025-03-29. Review status: criteria provided, single submitter. Criteria: GeneDx Variant Classification Process June 2021. Collection method: clinical testing. Allele origin: germline. Affected: yes.
Comment: In silico analysis supports that this missense variant has a deleterious effect on protein structure/function; Has not been previously published as pathogenic or benign to our knowledge